The following is an entry in ClinVar:

ClinVar aggregate classification (germline): Benign/Likely benign. Review status: criteria provided, multiple submitters, no conflicts (2 of 4 stars). 3 submissions from 3 submitters: Benign (1); Likely benign (2). Last evaluated 2025-10-13.

Conditions:
Hereditary cancer-predisposing syndrome. Also called: Neoplastic Syndromes, Hereditary; Hereditary neoplastic syndrome; Tumor predisposition; Hereditary Cancer Syndrome. Identifiers: Orphanet 140162, MedGen C0027672, MeSH D009386, MONDO:0015356.
Hereditary diffuse gastric adenocarcinoma (HDGC). Also called: DIFFUSE GASTRIC AND LOBULAR BREAST CANCER SYNDROME. Identifiers: Orphanet 26106, MedGen C1708349, MONDO:0007648, OMIM 137215.

Allele frequency attached by ClinVar (database versions not stated): gnomAD 0.00001; gnomAD exomes 0.00001; TOPMed 0.00001; ExAC 0.00002; ESP Exome Variant Server 0.00008.
gnomAD v4.1: 9 of 1,613,758 alleles (0.00056%); highest among the groups gnomAD compares: Non-Finnish European, 0.00068%; no homozygotes.

Submissions (3):

Labcorp Genetics (formerly Invitae), Labcorp
Classification: Likely benign. Last evaluated: 2025-10-13. Review status: criteria provided, single submitter. Criteria: Invitae Variant Classification Sherloc (09022015). Collection method: clinical testing. Allele origin: germline.

Myriad Genetics, Inc.
Classification: Benign for Hereditary diffuse gastric adenocarcinoma. Last evaluated: 2024-10-10. Review status: criteria provided, single submitter. Criteria: Myriad Autosomal Dominant, Autosomal Recessive and X-Linked Classification Criteria (2023). Collection method: clinical testing. Allele origin: unknown.
Comment: This variant is considered benign. This variant is a silent/synonymous amino acid change and it is not expected to impact splicing.

Ambry Genetics
Classification: Likely benign for Hereditary cancer-predisposing syndrome. Last evaluated: 2019-11-26. Review status: criteria provided, single submitter. Criteria: Ambry Variant Classification Scheme 2023. Collection method: clinical testing. Allele origin: germline.

NM_001903.5(CTNNA1):c.510A>G (p.Glu170=)

Gene: CTNNA1 (catenin alpha 1; plus strand). Cytogenetic location: 5q31.2.
Variant type: single nucleotide variant.
Coding change: c.510A>G on transcript NM_001903.5 (MANE Select); coding-DNA position 510, A replaced by G.
Protein change: p.Glu170=; no amino-acid change (glutamic acid 170 retained).
Molecular consequence: synonymous variant.
Genome position (GRCh38, 1-based): chr5:138,812,224, A>G. VCF-style: chr5-138812224-A-G. GRCh37 (hg19) VCF-style: chr5-138147913-A-G.
Other names: c.510A>G, p.Glu170= (NM_001290307.3, NM_001323982.2, NM_001323983.1 and 3 more transcripts); c.201A>G, p.Glu67= (NM_001290309.3); c.141A>G, p.Glu47= (NM_001290310.3).
Identifiers: ClinVar variation 775484 (VCV000775484.16), dbSNP rs375617895, ClinGen allele CA3431470.